The following is an entry in ClinVar:

ClinVar aggregate classification (germline): Likely pathogenic (1 of 4 stars; one submission).

Conditions:
Cortisone reductase deficiency 1 (CORTRD1). Identifiers: Orphanet 168588, MedGen C3551716, MONDO:0011503, OMIM 604931.

gnomAD v4.1: 27 of 1,613,342 alleles (0.0017%); highest among the groups gnomAD compares: South Asian, 0.0099%; no homozygotes.

Submission:

First Genomix Gene Laboratory, Genetic Diagnostics Department
Classification: Likely pathogenic for Cortisone reductase deficiency 1. Last evaluated: 2025-08-21. Review status: criteria provided, single submitter. Criteria: ACMG Guidelines, 2015. Collection method: clinical testing. Allele origin: germline. Inheritance: Autosomal recessive inheritance. Affected: no. Observed: 1 variant allele.

NM_004285.4(H6PD):c.1651C>T (p.Arg551Ter)

Gene: H6PD (hexose-6-phosphate dehydrogenase/glucose 1-dehydrogenase; plus strand). Cytogenetic location: 1p36.22.
Variant type: single nucleotide variant.
Coding change: c.1651C>T on transcript NM_004285.4 (MANE Select); coding-DNA position 1651, C replaced by T.
Protein change: p.Arg551Ter; replaces arginine 551 with a stop codon.
Molecular consequence: nonsense.
Genome position (GRCh38, 1-based): chr1:9,264,144, C>T. VCF-style: chr1-9264144-C-T. GRCh37 (hg19) VCF-style: chr1-9324203-C-T.
Other names: c.1684C>T, p.Arg562Ter (NM_001282587.2); short protein forms R551*, R562*.
Identifiers: ClinVar variation 4850401 (VCV004850401.1).